The following is an entry in ClinVar:

ClinVar aggregate classification (germline): Pathogenic (1 of 4 stars; one submission).

Conditions:
Duchenne muscular dystrophy (DMD). Also called: MUSCULAR DYSTROPHY, PSEUDOHYPERTROPHIC PROGRESSIVE, DUCHENNE TYPE; Duchenne Muscular Dystrophy (DMD). Identifiers: Orphanet 98896, MedGen C0013264, MONDO:0010679, OMIM 310200.

Submission:

Labcorp Genetics (formerly Invitae), Labcorp
Classification: Pathogenic for Duchenne muscular dystrophy. Last evaluated: 2020-03-31. Review status: criteria provided, single submitter. Criteria: Invitae Variant Classification Sherloc (09022015). Collection method: clinical testing. Allele origin: germline.
Comment: This variant is an out-of-frame deletion of the genomic region encompassing exons 57-59 of the DMD gene. This is expected to create a premature translational stop signal and result in an absent or disrupted protein product. This variant has not been reported in the literature in individuals with DMD-related conditions. Loss-of-function variants in DMD are known to be pathogenic (PMID: 16770791, 25007885). For these reasons, this variant has been classified as Pathogenic.

Literature cited by the submitters: PubMed 16770791; PubMed 25007885.

NC_000023.10:g.(?_31496213)_(31515071_?)del

Gene: DMD (dystrophin; minus strand). Cytogenetic location: Xp21.2-21.1.
Variant type: Deletion.
Identifiers: ClinVar variation 1074261 (VCV001074261.1).